The following is an entry in ClinVar:

NM_000454.5(SOD1):c.53TCA[1] (p.Ile19del)

Genes: SOD1 (superoxide dismutase 1; plus strand), SOD1-DT (SOD1 divergent transcript; minus strand). Cytogenetic location: 21q22.11.
Variant type: Microsatellite.
Coding change: c.53TCA[1] on transcript NM_000454.5 (MANE Select); one copy of the 3-base unit TCA starting at c.53; the reference has two copies in a row; one copy, 3 bases deleted.
Protein change: p.Ile19del; deletes isoleucine 19.
Molecular consequence: non-coding transcript variant (on NR_187558.1).
Genome position (GRCh38, 1-based): chr21:31,659,825-31,659,827, TCA deleted; deleting any 3 consecutive bases within chr21:31,659,820-31,659,827 gives the same sequence; the position shown is the placement nearest the transcript's 3' end. VCF-style (leftmost placement, unchanged base first): chr21-31659819-GCAT-G. GRCh37 (hg19) VCF-style: chr21-33032132-GCAT-G.
Other names: short protein forms I19del.
Identifiers: ClinVar variation 3651518 (VCV003651518.2).
Genomic context (GRCh38, chr21:31,659,819, plus strand): 5'-CCTAGCGAGTTATGGCGACGAAGGCCGTGTGCGTGCTGAAGGGCGACGGCCCAGTGCAGG[GCAT>G]CATCAATTTCGAGCAGAAGGCAAGGGCTGGGACGGAGGCTTGTTTGCGAGGCCGCTCCCA-3'

ClinVar aggregate classification (germline): Uncertain significance (1 of 4 stars; one submission).

Conditions:
Amyotrophic lateral sclerosis type 1 (ALS1). Also called: AMYOTROPHIC LATERAL SCLEROSIS 1, FAMILIAL. Identifiers: Orphanet 803, MedGen C1862939, MONDO:0007103, OMIM 105400.

Submission:

Labcorp Genetics (formerly Invitae), Labcorp
Classification: Uncertain significance for Amyotrophic lateral sclerosis type 1. Last evaluated: 2024-04-16. Review status: criteria provided, single submitter. Criteria: Invitae Variant Classification Sherloc (09022015). Collection method: clinical testing. Allele origin: germline.
Comment: This variant, c.56_58del, results in the deletion of 1 amino acid(s) of the SOD1 protein (p.Ile19del), but otherwise preserves the integrity of the reading frame. This variant is not present in population databases (gnomAD no frequency). This variant has been observed in individual(s) with autosomal dominant amyotrophic lateral sclerosis (PMID: 24296360, 33408239). This variant is also known as I18del. Experimental studies and prediction algorithms are not available or were not evaluated, and the functional significance of this variant is currently unknown. In summary, the available evidence is currently insufficient to determine the role of this variant in disease. Therefore, it has been classified as a Variant of Uncertain Significance.

Literature cited by the submitters: PubMed 24296360; PubMed 33408239.